The following is an entry in ClinVar:

NM_004281.4(BAG3):c.41C>T (p.Ser14Phe)

Gene: BAG3 (BAG cochaperone 3; plus strand). Cytogenetic location: 10q26.11.
Variant type: single nucleotide variant.
Coding change: c.41C>T on transcript NM_004281.4 (MANE Select); coding-DNA position 41, C replaced by T.
Protein change: p.Ser14Phe; replaces serine 14 with phenylalanine.
Molecular consequence: missense variant.
Genome position (GRCh38, 1-based): chr10:119,651,716, C>T. VCF-style: chr10-119651716-C-T. GRCh37 (hg19) VCF-style: chr10-121411228-C-T.
Other names: short protein forms S14F.
Identifiers: ClinVar variation 1385311 (VCV001385311.8), dbSNP rs2134050488, ClinGen allele CA378294052.

ClinVar aggregate classification (germline): Uncertain significance. Review status: criteria provided, multiple submitters, no conflicts (2 of 4 stars). 2 submissions from 2 submitters: Uncertain significance (2). Last evaluated 2025-08-13.

Conditions:
Dilated cardiomyopathy 1HH (CMD1HH). Identifiers: Orphanet 154, MedGen C3151293, MONDO:0013479, OMIM 613881.
Myofibrillar myopathy 6. Identifiers: Orphanet 199340, MedGen C2751831, MONDO:0013061, OMIM 612954.
Cardiovascular phenotype. Identifiers: MedGen CN230736.

Allele frequency attached by ClinVar (database versions not stated): gnomAD exomes below 0.00001.
gnomAD v4.1: 1 of 1,595,378 alleles (0.000063%); highest among the groups gnomAD compares: Non-Finnish European, 0.000085%; no homozygotes.

Submissions (2):

Labcorp Genetics (formerly Invitae), Labcorp
Classification: Uncertain significance for Dilated cardiomyopathy 1HH; Myofibrillar myopathy 6. Last evaluated: 2025-08-13. Review status: criteria provided, single submitter. Criteria: Invitae Variant Classification Sherloc (09022015). Collection method: clinical testing. Allele origin: germline.
Comment: This sequence change replaces serine, which is neutral and polar, with phenylalanine, which is neutral and non-polar, at codon 14 of the BAG3 protein (p.Ser14Phe). This variant is not present in population databases (gnomAD no frequency). This variant has not been reported in the literature in individuals affected with BAG3-related conditions. ClinVar contains an entry for this variant (Variation ID: 1385311). An algorithm developed to predict the effect of missense changes on protein structure and function (PolyPhen-2) suggests that this variant is likely to be disruptive. In summary, the available evidence is currently insufficient to determine the role of this variant in disease. Therefore, it has been classified as a Variant of Uncertain Significance.

Ambry Genetics
Classification: Uncertain significance for Cardiovascular phenotype. Last evaluated: 2022-05-09. Review status: criteria provided, single submitter. Criteria: Ambry Variant Classification Scheme 2023. Collection method: clinical testing. Allele origin: germline.
Comment: The p.S14F variant (also known as c.41C>T), located in coding exon 1 of the BAG3 gene, results from a C to T substitution at nucleotide position 41. The serine at codon 14 is replaced by phenylalanine, an amino acid with highly dissimilar properties. This amino acid position is conserved. In addition, this alteration is predicted to be tolerated by in silico analysis. Since supporting evidence is limited at this time, the clinical significance of this alteration remains unclear.